The following is an entry in ClinVar:

NM_000038.6(APC):c.6162A>C (p.Ser2054=)

Gene: APC (APC regulator of Wnt signaling pathway; plus strand). Cytogenetic location: 5q22.2.
Variant type: single nucleotide variant.
Coding change: c.6162A>C on transcript NM_000038.6 (MANE Select); coding-DNA position 6162, A replaced by C.
Protein change: p.Ser2054=; no amino-acid change (serine 2054 retained).
Molecular consequence: synonymous variant. On other transcripts: non-coding transcript variant (2).
Genome position (GRCh38, 1-based): chr5:112,841,756, A>C. VCF-style: chr5-112841756-A-C. GRCh37 (hg19) VCF-style: chr5-112177453-A-C.
Other names: c.6162A>C, p.Ser2054= (NM_001127510.3, NM_001354895.2, NM_001407450.1); c.6108A>C, p.Ser2036= (NM_001127511.3); c.6216A>C, p.Ser2072= (NM_001354896.2, NM_001407447.1, NM_001407448.1 and 1 more transcripts); c.6192A>C, p.Ser2064= (NM_001354897.2); c.6087A>C, p.Ser2029= (NM_001354898.2); c.6078A>C, p.Ser2026= (NM_001354899.2); c.6039A>C, p.Ser2013= (NM_001354900.2); c.5985A>C, p.Ser1995= (NM_001354901.2, NM_001407453.1); and 12 more.
Identifiers: ClinVar variation 3254224 (VCV003254224.2), dbSNP rs776160547.

ClinVar aggregate classification (germline): Benign/Likely benign. Review status: criteria provided, multiple submitters, no conflicts (2 of 4 stars). 2 submissions from 2 submitters: Benign (1); Likely benign (1). Last evaluated 2026-05-02.

Conditions:
Hereditary cancer-predisposing syndrome. Also called: Neoplastic Syndromes, Hereditary; Tumor predisposition; Hereditary Cancer Syndrome; Hereditary neoplastic syndrome. Identifiers: Orphanet 140162, MedGen C0027672, MeSH D009386, MONDO:0015356.
Familial adenomatous polyposis 1 (FAP1). Also called: FAMILIAL ADENOMATOUS POLYPOSIS 1, ATTENUATED; POLYPOSIS, ADENOMATOUS INTESTINAL. Identifiers: MedGen C2713442, MONDO:0021056, OMIM 175100. Disease mechanism: loss of function.

gnomAD v4.1: 3 of 1,614,072 alleles (0.00019%); highest among the groups gnomAD compares: South Asian, 0.0022%; no homozygotes.

Submissions (2):

Ambry Genetics
Classification: Likely benign for Hereditary cancer-predisposing syndrome. Last evaluated: 2026-05-02. Review status: criteria provided, single submitter. Criteria: Ambry Variant Classification Scheme 2023. Collection method: clinical testing. Allele origin: germline.

Myriad Genetics, Inc.
Classification: Benign for Familial adenomatous polyposis 1. Last evaluated: 2024-04-03. Review status: criteria provided, single submitter. Criteria: Myriad Autosomal Dominant, Autosomal Recessive and X-Linked Classification Criteria (2023). Collection method: clinical testing. Allele origin: unknown.
Comment: This variant is considered benign. This variant is a silent/synonymous amino acid change and it is not expected to impact splicing.